The following is an entry in ClinVar:

NM_015909.4(NBAS):c.4561G>C (p.Glu1521Gln)

Gene: NBAS (NBAS subunit of NRZ tethering complex; minus strand). Cytogenetic location: 2p24.3.
Variant type: single nucleotide variant.
Coding change: c.4561G>C on transcript NM_015909.4 (MANE Select); coding-DNA position 4561, G replaced by C.
Protein change: p.Glu1521Gln; replaces glutamic acid 1521 with glutamine.
Molecular consequence: missense variant. On other transcripts: non-coding transcript variant (1).
Genome position (GRCh38, 1-based): chr2:15,327,771, C>G on the plus strand (G>C on the coding strand, the complement: NBAS is on the minus strand). VCF-style: chr2-15327771-C-G. GRCh37 (hg19) VCF-style: chr2-15467895-C-G.
Other names: short protein forms E1521Q.
Identifiers: ClinVar variation 1464163 (VCV001464163.7), dbSNP rs1036475904, ClinGen allele CA42636926.

ClinVar aggregate classification (germline): Uncertain significance. Review status: criteria provided, multiple submitters, no conflicts (2 of 4 stars). 3 submissions from 3 submitters: Uncertain significance (2). 1 of the submissions does not count toward it. Last evaluated 2024-05-22.

Conditions:
Optic atrophy. Identifiers: MedGen C0029124, MONDO:0003608, HP:0000648.

Allele frequency attached by ClinVar (database versions not stated): gnomAD exomes 0.00001; gnomAD 0.00003 and 0.00001; TOPMed 0.00003.
gnomAD v4.1: 15 of 1,613,692 alleles (0.00093%); highest among the groups gnomAD compares: East Asian, 0.02%; no homozygotes.

Submissions (3):

Women's Health and Genetics/Laboratory Corporation of America, LabCorp
Classification: Uncertain significance. Last evaluated: 2024-05-22. Review status: criteria provided, single submitter. Criteria: LabCorp Variant Classification Summary - May 2015. Collection method: clinical testing. Allele origin: germline.
Comment: Variant summary: NBAS c.4561G>C (p.Glu1521Gln) results in a conservative amino acid change in the encoded protein sequence. Five of five in-silico tools predict a benign effect of the variant on protein function. The variant was absent in 251092 control chromosomes. The available data on variant occurrences in the general population are insufficient to allow any conclusion about variant significance. c.4561G>C has been reported in the literature in an individual affected with Hemophagocytic lymphohistiocytosis (Bi_2022). This report does not provide unequivocal conclusions about association of the variant with Liver Failure Acute Infantile, Type 2. To our knowledge, no experimental evidence demonstrating an impact on protein function has been reported. The following publication has been ascertained in the context of this evaluation (PMID: 35902954). ClinVar contains an entry for this variant (Variation ID: 1464163). Based on the evidence outlined above, the variant was classified as uncertain significance.

Labcorp Genetics (formerly Invitae), Labcorp
Classification: Uncertain significance. Last evaluated: 2022-08-20. Review status: criteria provided, single submitter. Criteria: Invitae Variant Classification Sherloc (09022015). Collection method: clinical testing. Allele origin: germline.
Comment: This sequence change replaces glutamic acid, which is acidic and polar, with glutamine, which is neutral and polar, at codon 1521 of the NBAS protein (p.Glu1521Gln). This variant is present in population databases (no rsID available, gnomAD 0.005%). This variant has not been reported in the literature in individuals affected with NBAS-related conditions. ClinVar contains an entry for this variant (Variation ID: 1464163). Algorithms developed to predict the effect of missense changes on protein structure and function are either unavailable or do not agree on the potential impact of this missense change (SIFT: "Deleterious"; PolyPhen-2: "Benign"; Align-GVGD: "Class C0"). In summary, the available evidence is currently insufficient to determine the role of this variant in disease. Therefore, it has been classified as a Variant of Uncertain Significance.

Institute of Human Genetics, Univ. Regensburg, Univ. Regensburg
Classification: Uncertain significance for Optic atrophy. Last evaluated: 2022-01-01. Review status: no assertion criteria provided. Criteria: ACMG Guidelines, 2015. Collection method: clinical testing. Allele origin: germline. Affected: yes. Not counted in ClinVar's aggregate classification.

Literature cited by the submitters: PubMed 35902954 (cited by Women's Health and Genetics/Laboratory Corporation of America, LabCorp).